The following is an entry in ClinVar:

ClinVar aggregate classification (germline): Uncertain significance (1 of 4 stars; one submission).

Conditions:
Norman-Roberts syndrome (LIS2). Also called: Lissencephaly 2 (Norman-Roberts type). Identifiers: Orphanet 89844, MedGen C0796089, MONDO:0009760, OMIM 257320.
Familial temporal lobe epilepsy 7. Identifiers: Orphanet 101046, MedGen C4225327, MONDO:0014639, OMIM 616436.

Allele frequency attached by ClinVar (database versions not stated): gnomAD exomes below 0.00001; ExAC 0.00002.
gnomAD v4.1: 2 of 1,525,318 alleles (0.00013%); highest among the groups gnomAD compares: Non-Finnish European, 0.00018%; no homozygotes.

Submission:

Labcorp Genetics (formerly Invitae), Labcorp
Classification: Uncertain significance for Familial temporal lobe epilepsy 7; Norman-Roberts syndrome. Last evaluated: 2022-06-24. Review status: criteria provided, single submitter. Criteria: Invitae Variant Classification Sherloc (09022015). Collection method: clinical testing. Allele origin: germline.
Comment: This variant is present in population databases (rs763521841, gnomAD 0.002%). This sequence change replaces aspartic acid, which is acidic and polar, with valine, which is neutral and non-polar, at codon 1853 of the RELN protein (p.Asp1853Val). This variant has not been reported in the literature in individuals affected with RELN-related conditions. In summary, the available evidence is currently insufficient to determine the role of this variant in disease. Therefore, it has been classified as a Variant of Uncertain Significance. Algorithms developed to predict the effect of missense changes on protein structure and function are either unavailable or do not agree on the potential impact of this missense change (SIFT: "Deleterious"; PolyPhen-2: "Probably Damaging"; Align-GVGD: "Class C15").

NM_005045.4(RELN):c.5558A>T (p.Asp1853Val)

Gene: RELN (reelin; minus strand). Cytogenetic location: 7q22.1.
Variant type: single nucleotide variant.
Coding change: c.5558A>T on transcript NM_005045.4 (MANE Select); coding-DNA position 5558, A replaced by T.
Protein change: p.Asp1853Val; replaces aspartic acid 1853 with valine.
Molecular consequence: missense variant.
Genome position (GRCh38, 1-based): chr7:103,558,021, T>A on the plus strand (A>T on the coding strand, the complement: RELN is on the minus strand). VCF-style: chr7-103558021-T-A. GRCh37 (hg19) VCF-style: chr7-103198468-T-A.
Other names: c.5558A>T, p.Asp1853Val (NM_173054.3); short protein forms D1853V.
Identifiers: ClinVar variation 2010201 (VCV002010201.4), dbSNP rs763521841, ClinGen allele CA4421171.